The following is an entry in ClinVar:

NM_007118.4(TRIO):c.41C>T (p.Ser14Phe)

Gene: TRIO (trio Rho guanine nucleotide exchange factor; plus strand). Cytogenetic location: 5p15.2.
Variant type: single nucleotide variant.
Coding change: c.41C>T on transcript NM_007118.4 (MANE Select); coding-DNA position 41, C replaced by T.
Protein change: p.Ser14Phe; replaces serine 14 with phenylalanine.
Molecular consequence: missense variant. On other transcripts: non-coding transcript variant (1).
Genome position (GRCh38, 1-based): chr5:14,143,766, C>T. VCF-style: chr5-14143766-C-T. GRCh37 (hg19) VCF-style: chr5-14143875-C-T.
Other names: short protein forms S14F.
Identifiers: ClinVar variation 501649 (VCV000501649.42), dbSNP rs905287265, ClinGen allele CA114683589.

ClinVar aggregate classification (germline): Conflicting classifications of pathogenicity. Review status: criteria provided, conflicting classifications (1 of 4 stars). 8 submissions from 8 submitters: Uncertain significance (1); Benign (1); Likely benign (5). 1 of the submissions does not count toward it. Last evaluated 2026-03-01.

Conditions:
Inborn genetic diseases. Identifiers: MedGen C0950123, MeSH D030342.
TRIO-related disorder. Also called: TRIO-related disorders; TRIO-related condition.
Intellectual developmental disorder, autosomal dominant 44, with microcephaly. Also called: TRIO-Related Intellectual Disability; Micrognathia-recurrent infections-behavioral abnormalities-mild intellectual disability syndrome. Identifiers: Orphanet 476126, MedGen C4310740, MONDO:0014892, OMIM 617061.
Intellectual developmental disorder, autosomal dominant 63, with macrocephaly. Also called: MENTAL RETARDATION, AUTOSOMAL DOMINANT 63, WITH MACROCEPHALY. Identifiers: MedGen C5394205, MONDO:0032939, OMIM 618825.

Allele frequency attached by ClinVar (database versions not stated): gnomAD 0.00136 and 0.00130; TOPMed 0.00114; 1000 Genomes Project 30x 0.00031; gnomAD exomes 0.00239 and 0.00314.
gnomAD v4.1: 2,218 of 1,002,186 alleles (0.22%); highest among the groups gnomAD compares: Non-Finnish European, 0.25%; 3 homozygotes.

Submissions (8):

CeGaT Center for Human Genetics Tuebingen
Classification: Likely benign. Last evaluated: 2026-03-01. Review status: criteria provided, single submitter. Criteria: CeGaT Center For Human Genetics Tuebingen Variant Classification Criteria Version 2. Collection method: clinical testing. Allele origin: germline. Affected: yes. Observed: 11 variant alleles.
Comment: TRIO: BS1

Blueprint Genetics
Classification: Likely benign. Last evaluated: 2024-11-07. Review status: criteria provided, single submitter. Criteria: ACMG Guidelines, 2015. Collection method: clinical testing. Allele origin: germline.

Department of Pathology and Laboratory Medicine, Sinai Health System
Classification: Likely benign for Intellectual developmental disorder, autosomal dominant 44, with microcephaly; Intellectual developmental disorder, autosomal dominant 63, with macrocephaly. Last evaluated: 2023-01-26. Review status: criteria provided, single submitter. Criteria: ACMG Guidelines, 2015. Collection method: research. Allele origin: germline.

Ambry Genetics
Classification: Likely benign for Inborn genetic diseases. Last evaluated: 2021-08-16. Review status: criteria provided, single submitter. Criteria: Ambry Variant Classification Scheme 2023. Collection method: clinical testing. Allele origin: germline.

GeneDx
Classification: Benign. Last evaluated: 2020-02-12. Review status: criteria provided, single submitter. Criteria: GeneDx Variant Classification Process June 2021. Collection method: clinical testing. Allele origin: germline. Affected: yes.

Labcorp Genetics (formerly Invitae), Labcorp
Classification: Likely benign. Last evaluated: 2019-12-31. Review status: criteria provided, single submitter. Criteria: Invitae Variant Classification Sherloc (09022015). Collection method: clinical testing. Allele origin: germline.

Eurofins Ntd Llc (ga)
Classification: Uncertain significance. Last evaluated: 2017-04-25. Review status: criteria provided, single submitter. Criteria: EGL Classification Definitions 2015. Collection method: clinical testing. Allele origin: germline. Observed: 1 variant allele, 1 heterozygote.

PreventionGenetics, part of Exact Sciences
Classification: Likely benign for TRIO-related condition. Last evaluated: 2023-04-27. Review status: no assertion criteria provided. Collection method: clinical testing. Allele origin: germline. Not counted in ClinVar's aggregate classification.
Comment: This variant is classified as likely benign based on ACMG/AMP sequence variant interpretation guidelines (Richards et al. 2015 PMID: 25741868, with internal and published modifications).